The following is an entry in ClinVar:

ClinVar aggregate classification (germline): Uncertain significance (1 of 4 stars; one submission).

Conditions:
Cardiovascular phenotype. Identifiers: MedGen CN230736.

gnomAD v4.1: 2 of 1,612,862 alleles (0.00012%); highest among the groups gnomAD compares: African/African-American, 0.0027%; no homozygotes.

Submission:

Ambry Genetics
Classification: Uncertain significance for Cardiovascular phenotype. Last evaluated: 2025-01-17. Review status: criteria provided, single submitter. Criteria: Ambry Variant Classification Scheme 2023. Collection method: clinical testing. Allele origin: germline.
Comment: The c.3328+5G>C intronic variant results from a G to C substitution 5 nucleotides after coding exon 21 in the TRPM4 gene. This nucleotide position is highly conserved in available vertebrate species. In silico splice site analysis predicts that this alteration will weaken the native splice donor site. Based on the available evidence, the clinical significance of this variant remains unclear.

NM_017636.4(TRPM4):c.3328+5G>C

Gene: TRPM4 (transient receptor potential cation channel subfamily M member 4; plus strand). Cytogenetic location: 19q13.33.
Variant type: single nucleotide variant.
Coding change: c.3328+5G>C on transcript NM_017636.4 (MANE Select); 5 bases into the intron after coding-DNA position 3328, G replaced by C.
Molecular consequence: intron variant.
Genome position (GRCh38, 1-based): chr19:49,210,410, G>C. VCF-style: chr19-49210410-G-C. GRCh37 (hg19) VCF-style: chr19-49713667-G-C.
Other names: c.2893+5G>C (NM_001195227.2); c.1720+5G>C (NM_001321282.2); c.2983+5G>C (NM_001321281.2); c.2806+5G>C (NM_001321283.2); c.2266+5G>C (NM_001321285.2).
Identifiers: ClinVar variation 3811044 (VCV003811044.1).